The following is an entry in ClinVar:

ClinVar aggregate classification (germline): Uncertain significance (1 of 4 stars; one submission).

Conditions:
X-linked central congenital hypothyroidism with late-onset testicular enlargement. Also called: Hypothyroidism, central, and testicular enlargement; HYPOTHYROIDISM, CENTRAL, WITH TESTICULAR ENLARGEMENT. Identifiers: Orphanet 329235, MedGen C3550963, MONDO:0010475, OMIM 300888.

Submission:

Laboratorio de Genetica e Diagnostico Molecular, Hospital Israelita Albert Einstein
Classification: Uncertain significance for X-linked central congenital hypothyroidism with late-onset testicular enlargement. Last evaluated: 2024-03-22. Review status: criteria provided, single submitter. Criteria: ACMG Guidelines, 2015. Collection method: clinical testing. Allele origin: germline. Affected: yes.
Comment: ACMG classification criteria: PM2 supporting

NM_001555.5(IGSF1):c.2583C>G (p.Ser861Arg)

Gene: IGSF1 (immunoglobulin superfamily member 1; minus strand). Cytogenetic location: Xq26.1.
Variant type: single nucleotide variant.
Coding change: c.2583C>G on transcript NM_001555.5 (MANE Select); coding-DNA position 2583, C replaced by G.
Protein change: p.Ser861Arg; replaces serine 861 with arginine.
Molecular consequence: missense variant.
Genome position (GRCh38, 1-based): chrX:131,276,964, G>C on the plus strand (C>G on the coding strand, the complement: IGSF1 is on the minus strand). VCF-style: chrX-131276964-G-C. GRCh37 (hg19) VCF-style: chrX-130410938-G-C.
Other names: c.2598C>G, p.Ser866Arg (NM_001170961.2); c.2556C>G, p.Ser852Arg (NM_001170962.2); short protein forms S852R, S861R, S866R.
Identifiers: ClinVar variation 4056791 (VCV004056791.1).
Genomic context (GRCh38, chrX:131,276,964, plus strand): 5'-TGGCACCACCTCTACCTGGAGTCCCCCCTCCTAACCTGTCACCACGAGCTCCACAGGGTC[G>C]CTGGGCTCAGACCAGATAGAAAAGTCATAATATCGGCAGCTGTAATTCCCTCCATCACCA-3'
Protein context (NP_001546.2, residues 851-871): YYDFSIWSEP[Ser861Arg]DPVELVVTEF